The following is an entry in ClinVar:

ClinVar aggregate classification (germline): Benign. Review status: reviewed by expert panel (3 of 4 stars). 2 submissions from 2 submitters: Benign (1). 1 of the submissions does not count toward it. Last evaluated 2022-06-30.

Conditions:
Hereditary thrombocytopenia and hematologic cancer predisposition syndrome. Identifiers: Orphanet 71290, MedGen CN281654, MONDO:0011071.
Hereditary thrombocytopenia and hematological cancer predisposition syndrome associated with RUNX1. Also called: PLATELET DISORDER, ASPIRIN-LIKE; RUNX1 Familial Platelet Disorder with Associated Myeloid Malignancies; Familial Platelet Disorder with Propensity to Acute Myelogenous Leukemia; Familial thrombocytopenia with propensity to acute myelogenous leukemia. Identifiers: Orphanet 71290, MedGen C1832388, MeSH C563324, MONDO:0100083, OMIM 601399.

Allele frequency attached by ClinVar (database versions not stated): gnomAD exomes 0.01408; gnomAD 0.01526 and 0.01591; TOPMed 0.01880; 1000 Genomes Project 30x 0.02202; 1000 Genomes Project 0.02376.
gnomAD v4.1: 3,552 of 233,562 alleles (1.5%); highest among the groups gnomAD compares: Admixed American, 4%; 43 homozygotes.

Submissions (2):

ClinGen Myeloid Malignancy Variant Curation Expert Panel
Classification: Benign for Hereditary thrombocytopenia and hematologic cancer predisposition syndrome. Last evaluated: 2022-06-30. Review status: reviewed by expert panel. Criteria: ClinGen MyeloMalig ACMG Specifications v2. Collection method: curation. Allele origin: germline. Inheritance: Autosomal dominant inheritance.
Comment: This 3' UTR variant has a MAF of 0.023 (2.3%, 201/8712 alleles) in the African subpopulation of the gnomAD cohort is ≥ 0.0015 (0.15%) (BA1). This variant has been reported in 2 homozygotes in gnomAD v2.1.1 (BP2). In summary, this variant meets criteria to be classified as benign. ACMG/AMP criteria applied, as specified by the Myeloid Malignancy Variant Curation Expert Panel for RUNX1: BA1, BP2

Illumina Laboratory Services, Illumina
Classification: Benign for Hereditary thrombocytopenia and hematological cancer predisposition syndrome associated with RUNX1. Last evaluated: 2018-01-13. Review status: criteria provided, single submitter. Criteria: ICSL Variant Classification Criteria 13 December 2019. Collection method: clinical testing. Allele origin: germline. Not counted in ClinVar's aggregate classification.
Comment: This variant was observed in the ICSL laboratory as part of a predisposition screen in an ostensibly healthy population. It had not been previously curated by ICSL or reported in the Human Gene Mutation Database (HGMD: prior to June 1st, 2018), and was therefore a candidate for classification through an automated scoring system. Utilizing variant allele frequency, disease prevalence and penetrance estimates, and inheritance mode, an automated score was calculated to assess if this variant is too frequent to cause the disease. Based on the score and internal cut-off values, a variant classified as benign is not then subjected to further curation. The score for this variant resulted in a classification of benign for this disease.

NM_001754.5(RUNX1):c.*1012C>T

Gene: RUNX1 (RUNX family transcription factor 1; minus strand). Cytogenetic location: 21q22.12.
Variant type: single nucleotide variant.
Coding change: c.*1012C>T on transcript NM_001754.5 (MANE Select); 1012 bases downstream of the stop codon, C replaced by T.
Molecular consequence: 3 prime UTR variant.
Genome position (GRCh38, 1-based): chr21:34,791,123, G>A on the plus strand (C>T on the coding strand, the complement: RUNX1 is on the minus strand). VCF-style: chr21-34791123-G-A. GRCh37 (hg19) VCF-style: chr21-36163420-G-A.
Other names: c.*1012C>T (NM_001001890.3).
Identifiers: ClinVar variation 339851 (VCV000339851.6), dbSNP rs55767668, ClinGen allele CA10652926.